The following is an entry in ClinVar:

NM_001009944.3(PKD1):c.4322A>G (p.Tyr1441Cys)

Gene: PKD1 (polycystin 1, transient receptor potential channel interacting; minus strand). Cytogenetic location: 16p13.3.
Variant type: single nucleotide variant.
Coding change: c.4322A>G on transcript NM_001009944.3 (MANE Select); coding-DNA position 4322, A replaced by G.
Protein change: p.Tyr1441Cys; replaces tyrosine 1441 with cysteine.
Molecular consequence: missense variant.
Genome position (GRCh38, 1-based): chr16:2,110,845, T>C on the plus strand (A>G on the coding strand, the complement: PKD1 is on the minus strand). VCF-style: chr16-2110845-T-C. GRCh37 (hg19) VCF-style: chr16-2160846-T-C.
Other names: c.4322A>G, p.Tyr1441Cys (NM_000296.4); short protein forms Y1441C.
Identifiers: ClinVar variation 4277867 (VCV004277867.3).

ClinVar aggregate classification (germline): Conflicting classifications of pathogenicity. Review status: criteria provided, conflicting classifications (1 of 4 stars). 3 submissions from 3 submitters: Likely pathogenic (2); Uncertain significance (1). Last evaluated 2025-10-28.

Conditions:
Polycystic kidney disease, adult type (PKD1). Also called: Polycystic Kidney, Autosomal Dominant; POLYCYSTIC KIDNEY DISEASE, ADULT, TYPE I; Polycystic Kidney Disease 1, Autosomal Dominant; Polycystic kidney disease 1; Polycystic kidney disease 1, severe; POLYCYSTIC KIDNEY DISEASE 1 WITH OR WITHOUT POLYCYSTIC LIVER DISEASE. Identifiers: MedGen C3149841, MONDO:0008263, OMIM 173900.
PKD1-related disorder. Also called: PKD1-related condition.

gnomAD v4.1: 1 of 1,611,788 alleles (0.000062%); highest among the groups gnomAD compares: Non-Finnish European, 0.000085%; no homozygotes.

Submissions (3):

3billion
Classification: Uncertain significance for Polycystic kidney disease, adult type. Last evaluated: 2025-10-28. Review status: criteria provided, single submitter. Criteria: ACMG Guidelines, 2015. Collection method: clinical testing. Allele origin: germline. Affected: yes.
Comment: The variant is observed at an extremely low frequency in the gnomAD v4.1.0 dataset (total allele frequency: <0.001%). Predicted Consequence/Location: Missense variant In silico tool predictions suggest damaging effect of the variant on gene or gene product [REVEL: 0.78 (>=0.6, sensitivity 0.68 and specificity 0.92); 3Cnet: 0.01 (> 0.75, sensitivity 0.96 and precision 0.92)]. The same nucleotide change resulting in the same amino acid change has been previously reported to be associated with PKD1-related disorder (ClinVar ID: VCV004277867). However, the evidence of pathogenicity is insufficient at this time. Therefore, this variant is classified as VUS according to the recommendation of ACMG/AMP guideline.

Genomic Medicine Center of Excellence, King Faisal Specialist Hospital and Research Centre
Classification: Likely pathogenic for Polycystic kidney disease, adult type. Last evaluated: 2025-09-10. Review status: criteria provided, single submitter. Criteria: ACMG Guidelines, 2015. Collection method: clinical testing. Allele origin: germline.

Blueprint Genetics
Classification: Likely pathogenic for PKD1-related disorders. Last evaluated: 2024-10-07. Review status: criteria provided, single submitter. Criteria: ACMG Guidelines, 2015. Collection method: clinical testing. Allele origin: germline. Affected: yes. Observed: 1 variant allele.